The following is an entry in ClinVar:

NM_000081.4(LYST):c.153A>C (p.Gly51=)

Gene: LYST (lysosomal trafficking regulator; minus strand). Cytogenetic location: 1q42.3.
Variant type: single nucleotide variant.
Coding change: c.153A>C on transcript NM_000081.4 (MANE Select); coding-DNA position 153, A replaced by C.
Protein change: p.Gly51=; no amino-acid change (glycine 51 retained).
Molecular consequence: synonymous variant. On other transcripts: non-coding transcript variant (1).
Genome position (GRCh38, 1-based): chr1:235,830,265, T>G on the plus strand (A>C on the coding strand, the complement: LYST is on the minus strand). VCF-style: chr1-235830265-T-G. GRCh37 (hg19) VCF-style: chr1-235993565-T-G.
Other names: p.Gly51=; c.153A>C, p.Gly51= (NM_001301365.1).
Identifiers: ClinVar variation 254911 (VCV000254911.21), dbSNP rs11464, ClinGen allele CA1467717.

ClinVar aggregate classification (germline): Benign/Likely benign. Review status: criteria provided, multiple submitters, no conflicts (2 of 4 stars). 6 submissions from 6 submitters: Benign (5); Likely benign (1). Last evaluated 2026-02-03.

Conditions:
Chédiak-Higashi syndrome (CHS). Also called: Chediak-Higashi Syndrome. Identifiers: Orphanet 167, MedGen C0007965, MONDO:0008963, OMIM 214500.

Allele frequency attached by ClinVar (database versions not stated): gnomAD exomes 0.01277 and 0.03300; ExAC 0.04107; gnomAD 0.12318 and 0.13219; TOPMed 0.14121; ESP Exome Variant Server 0.14309; 1000 Genomes Project 0.14657; 1000 Genomes Project 30x 0.15303.
gnomAD v4.1: 38,314 of 1,613,704 alleles (2.4%); highest among the groups gnomAD compares: African/African-American, 43%; 7,352 homozygotes.

Submissions (6):

Labcorp Genetics (formerly Invitae), Labcorp
Classification: Benign for Chédiak-Higashi syndrome. Last evaluated: 2026-02-03. Review status: criteria provided, single submitter. Criteria: Invitae Variant Classification Sherloc (09022015). Collection method: clinical testing. Allele origin: germline.

Blueprint Genetics
Classification: Likely benign. Last evaluated: 2024-11-26. Review status: criteria provided, single submitter. Criteria: ACMG Guidelines, 2015. Collection method: clinical testing. Allele origin: germline.

Mayo Clinic Laboratories, Mayo Clinic
Classification: Benign. Last evaluated: 2023-07-09. Review status: criteria provided, single submitter. Criteria: ACMG Guidelines, 2015. Collection method: clinical testing. Allele origin: germline. Observed: 229 variant alleles.

GeneDx
Classification: Benign. Last evaluated: 2018-06-13. Review status: criteria provided, single submitter. Criteria: GeneDx Variant Classification (06012015). Collection method: clinical testing. Allele origin: germline. Affected: yes.
Comment: This variant is considered likely benign or benign based on one or more of the following criteria: it is a conservative change, it occurs at a poorly conserved position in the protein, it is predicted to be benign by multiple in silico algorithms, and/or has population frequency not consistent with disease.

Breakthrough Genomics
Classification: Benign. Review status: criteria provided, single submitter. Criteria: ACMG Guidelines, 2015. Collection method: not provided. Allele origin: germline. Inheritance: Autosomal recessive inheritance. Affected: yes.

PreventionGenetics, part of Exact Sciences
Classification: Benign. Review status: criteria provided, single submitter. Criteria: ACMG Guidelines, 2015. Collection method: clinical testing. Allele origin: germline.